The following is an entry in ClinVar:

ClinVar aggregate classification (germline): Uncertain significance. Review status: criteria provided, multiple submitters, no conflicts (2 of 4 stars). 2 submissions from 2 submitters: Uncertain significance (2). Last evaluated 2024-02-16.

Submissions (2):

GeneDx
Classification: Uncertain significance. Last evaluated: 2024-02-16. Review status: criteria provided, single submitter. Criteria: GeneDx Variant Classification Process June 2021. Collection method: clinical testing. Allele origin: germline. Affected: yes.
Comment: Not observed at significant frequency in large population cohorts (gnomAD); In silico analysis supports that this missense variant has a deleterious effect on protein structure/function; Has not been previously published as pathogenic or benign to our knowledge

CeGaT Center for Human Genetics Tuebingen
Classification: Uncertain significance. Last evaluated: 2023-01-01. Review status: criteria provided, single submitter. Criteria: CeGaT Center For Human Genetics Tuebingen Variant Classification Criteria Version 2. Collection method: clinical testing. Allele origin: germline. Affected: yes. Observed: 1 variant allele.
Comment: CDON: PM2, PP3

NM_001378964.1(CDON):c.2936T>C (p.Ile979Thr)

Gene: CDON (cell adhesion associated, oncogene regulated; minus strand). Cytogenetic location: 11q24.2.
Variant type: single nucleotide variant.
Coding change: c.2936T>C on transcript NM_001378964.1 (MANE Select); coding-DNA position 2936, T replaced by C.
Protein change: p.Ile979Thr; replaces isoleucine 979 with threonine.
Molecular consequence: missense variant.
Genome position (GRCh38, 1-based): chr11:125,983,931, A>G on the plus strand (T>C on the coding strand, the complement: CDON is on the minus strand). VCF-style: chr11-125983931-A-G. GRCh37 (hg19) VCF-style: chr11-125853826-A-G.
Other names: c.2936T>C, p.Ile979Thr (NM_001243597.3, NM_016952.6); short protein forms I979T.
Identifiers: ClinVar variation 2642518 (VCV002642518.25), dbSNP rs1565503550, ClinGen allele CA383201599.